The following is an entry in ClinVar:

NM_032119.4(ADGRV1):c.4930-3T>G

Gene: ADGRV1 (adhesion G protein-coupled receptor V1; plus strand). Cytogenetic location: 5q14.3.
Variant type: single nucleotide variant.
Coding change: c.4930-3T>G on transcript NM_032119.4 (MANE Select); 3 bases into the intron before coding-DNA position 4930, T replaced by G.
Molecular consequence: intron variant.
Genome position (GRCh38, 1-based): chr5:90,674,051, T>G. VCF-style: chr5-90674051-T-G. GRCh37 (hg19) VCF-style: chr5-89969868-T-G.
Identifiers: ClinVar variation 2502743 (VCV002502743.1), dbSNP rs927813560, ClinGen allele CA122799223.

ClinVar aggregate classification (germline): Uncertain significance (1 of 4 stars; one submission).

Allele frequency attached by ClinVar (database versions not stated): gnomAD exomes below 0.00001.
gnomAD v4.1: 4 of 1,597,694 alleles (0.00025%); highest among the groups gnomAD compares: Non-Finnish European, 0.00034%; no homozygotes.

Submission:

GeneDx
Classification: Uncertain significance. Last evaluated: 2022-11-18. Review status: criteria provided, single submitter. Criteria: GeneDx Variant Classification Process June 2021. Collection method: clinical testing. Allele origin: germline. Affected: yes.
Comment: Not observed at significant frequency in large population cohorts (gnomAD); In silico analysis supports a deleterious effect on splicing; Has not been previously published as pathogenic or benign to our knowledge